The following is an entry in ClinVar:

NM_001101426.4(CRPPA):c.845C>T (p.Ser282Phe)

Gene: CRPPA (CDP-L-ribitol pyrophosphorylase A; minus strand). Cytogenetic location: 7p21.2.
Variant type: single nucleotide variant.
Coding change: c.845C>T on transcript NM_001101426.4 (MANE Select); coding-DNA position 845, C replaced by T.
Protein change: p.Ser282Phe; replaces serine 282 with phenylalanine.
Molecular consequence: missense variant. On other transcripts: non-coding transcript variant (1).
Genome position (GRCh38, 1-based): chr7:16,278,217, G>A on the plus strand (C>T on the coding strand, the complement: CRPPA is on the minus strand). VCF-style: chr7-16278217-G-A. GRCh37 (hg19) VCF-style: chr7-16317842-G-A.
Other names: c.695C>T, p.Ser232Phe (NM_001101417.4); c.740C>T, p.Ser247Phe (NM_001368197.1); short protein forms S247F, S282F, S232F.
Identifiers: ClinVar variation 2012727 (VCV002012727.4), dbSNP rs1187330759, ClinGen allele CA367001403.
Genomic context (GRCh38, chr7:16,278,217, plus strand): 5'-AGAAGATGACCTACATGTTTGTTATCTTCTTCTGTATCCATAACTACACAAATCTCTTGG[G>A]AAATTCTCTCTGAAATTAAAAAAAAAAAGTTTTAAGTTTCAAACAAAACATGTAACAAGG-3'
Protein context (NP_001094896.1, residues 272-292): AAESIIKERI[Ser282Phe]QEICVVMDTE

ClinVar aggregate classification (germline): Uncertain significance (1 of 4 stars; one submission).

Conditions:
Muscular dystrophy-dystroglycanopathy (congenital with brain and eye anomalies), type A, 7. Also called: WALKER-WARBURG SYNDROME OR MUSCLE-EYE-BRAIN DISEASE, ISPD-RELATED; Congenital muscular dystrophy-dystroglycanopathy with brain and eye anomalies, type A7. Identifiers: Orphanet 899, MedGen C3553330, MONDO:0013835, OMIM 614643.
Autosomal recessive limb-girdle muscular dystrophy type 2U. Also called: Muscular dystrophy-dystroglycanopathy (limb-girdle), type c, 7; MUSCULAR DYSTROPHY, LIMB-GIRDLE, TYPE 2U. Identifiers: Orphanet 352479, MedGen C5190987, MONDO:0014474, OMIM 616052.

Allele frequency attached by ClinVar (database versions not stated): gnomAD exomes below 0.00001.
gnomAD v4.1: 2 of 1,533,656 alleles (0.00013%); highest among the groups gnomAD compares: Non-Finnish European, 0.00018%; no homozygotes.

Submission:

Labcorp Genetics (formerly Invitae), Labcorp
Classification: Uncertain significance for Muscular dystrophy-dystroglycanopathy (congenital with brain and eye anomalies), type A, 7; Autosomal recessive limb-girdle muscular dystrophy type 2U. Last evaluated: 2024-10-25. Review status: criteria provided, single submitter. Criteria: Invitae Variant Classification Sherloc (09022015). Collection method: clinical testing. Allele origin: germline.
Comment: This sequence change replaces serine, which is neutral and polar, with phenylalanine, which is neutral and non-polar, at codon 282 of the ISPD protein (p.Ser282Phe). This variant is not present in population databases (gnomAD no frequency). This variant has not been reported in the literature in individuals affected with ISPD-related conditions. ClinVar contains an entry for this variant (Variation ID: 2012727). An algorithm developed to predict the effect of missense changes on protein structure and function (PolyPhen-2) suggests that this variant is likely to be tolerated. In summary, the available evidence is currently insufficient to determine the role of this variant in disease. Therefore, it has been classified as a Variant of Uncertain Significance.